The following is an entry in ClinVar:

ClinVar aggregate classification (germline): Uncertain significance (1 of 4 stars; one submission).

Conditions:
Linear skin defects with multiple congenital anomalies 1 (LSDMCA1). Also called: Microphthalmia with Linear Skin Defects Syndrome; MLS syndrome; MIDAS SYNDROME. Identifiers: Orphanet 2556, MedGen C0796070, MONDO:0024552, OMIM 309801.

Submission:

HudsonAlpha Institute for Biotechnology
Classification: Uncertain significance for Linear skin defects with multiple congenital anomalies 1. Last evaluated: 2021-10-04. Review status: criteria provided, single submitter. Criteria: ACMG Guidelines, 2015. Collection method: research. Allele origin: unknown. Observed: 1 variant allele. Study: CSER-SouthSeq.
Comment: ACMG codes: PM2; PP3

NM_005333.5(HCCS):c.736C>T (p.Arg246Cys)

Gene: HCCS (holocytochrome c synthase; plus strand). Cytogenetic location: Xp22.2.
Variant type: single nucleotide variant.
Coding change: c.736C>T on transcript NM_005333.5 (MANE Select); coding-DNA position 736, C replaced by T.
Protein change: p.Arg246Cys; replaces arginine 246 with cysteine.
Molecular consequence: missense variant.
Genome position (GRCh38, 1-based): chrX:11,121,739, C>T. VCF-style: chrX-11121739-C-T. GRCh37 (hg19) VCF-style: chrX-11139859-C-T.
Other names: c.736C>T, p.Arg246Cys (NM_001171991.3, NM_001122608.3); short protein forms R246C.
Identifiers: ClinVar variation 1320309 (VCV001320309.1), dbSNP rs2147254071, ClinGen allele CA412055828.
Genomic context (GRCh38, chrX:11,121,739, plus strand): 5'-ATTGATTATTATGATGGTGGTGAAGTCAACAAGGACTACCAGTTCACCATCCTGGACGTC[C>T]GTCCTGCCTTAGATTCACTTTCGGCAGTATGGGACAGAATGAAAGTCGCTTGGTGGCGTT-3'
Protein context (NP_005324.3, residues 236-256): KDYQFTILDV[Arg246Cys]PALDSLSAVW